The following is an entry in ClinVar:

NM_000052.7(ATP7A):c.2556A>T (p.Pro852=)

Gene: ATP7A (ATPase copper transporting alpha; plus strand). Cytogenetic location: Xq21.1.
Variant type: single nucleotide variant.
Coding change: c.2556A>T on transcript NM_000052.7 (MANE Select); coding-DNA position 2556, A replaced by T.
Protein change: p.Pro852=; no amino-acid change (proline 852 retained).
Molecular consequence: synonymous variant.
Genome position (GRCh38, 1-based): chrX:78,015,811, A>T. VCF-style: chrX-78015811-A-T. GRCh37 (hg19) VCF-style: chrX-77271308-A-T.
Other names: c.2322A>T, p.Pro774= (NM_001282224.2).
Identifiers: ClinVar variation 533681 (VCV000533681.11), dbSNP rs781950120, ClinGen allele CA10459293.

ClinVar aggregate classification (germline): Likely benign. Review status: criteria provided, single submitter (1 of 4 stars). 2 submissions from 2 submitters: Likely benign (1). 1 of the submissions does not count toward it. Last evaluated 2025-12-06.

Conditions:
ATP7A-related disorder. Also called: ATP7A-related condition.
Menkes kinky-hair syndrome (MNK). Also called: Classic Menkes Disease; Copper transport disease; Menkes Disease. Identifiers: Orphanet 565, MedGen C0022716, MONDO:0010651, OMIM 309400.
Cutis laxa, X-linked (OHS). Also called: EDS IX; Occipital horn syndrome. Identifiers: Orphanet 198, MedGen C0268353, MONDO:0010572, OMIM 304150.
X-linked distal spinal muscular atrophy type 3. Also called: NEURONOPATHY, DISTAL HEREDITARY MOTOR, X-LINKED; NEUROPATHY, DISTAL HEREDITARY MOTOR, X-LINKED; ATP7A-Related Distal Motor Neuropathy; SPINAL MUSCULAR ATROPHY, DISTAL, X-LINKED RECESSIVE. Identifiers: Orphanet 139557, MedGen C1845359, MONDO:0010338, OMIM 300489.

Allele frequency attached by ClinVar (database versions not stated): gnomAD exomes below 0.00001 and 0.00001; ExAC 0.00001; gnomAD 0.00001 and 0.00003; TOPMed 0.00001.
gnomAD v4.1: 7 of 1,210,046 alleles (0.00058%); highest among the groups gnomAD compares: East Asian, 0.0089%; no homozygotes.

Submissions (2):

Labcorp Genetics (formerly Invitae), Labcorp
Classification: Likely benign for X-linked distal spinal muscular atrophy type 3; Cutis laxa, X-linked; Menkes kinky-hair syndrome. Last evaluated: 2025-12-06. Review status: criteria provided, single submitter. Criteria: Invitae Variant Classification Sherloc (09022015). Collection method: clinical testing. Allele origin: germline.

PreventionGenetics, part of Exact Sciences
Classification: Likely benign for ATP7A-related condition. Last evaluated: 2019-04-15. Review status: no assertion criteria provided. Collection method: clinical testing. Allele origin: germline. Not counted in ClinVar's aggregate classification.
Comment: This variant is classified as likely benign based on ACMG/AMP sequence variant interpretation guidelines (Richards et al. 2015 PMID: 25741868, with internal and published modifications).